The following is an entry in ClinVar:

NM_004281.4(BAG3):c.1208C>G (p.Ala403Gly)

Gene: BAG3 (BAG cochaperone 3; plus strand). Cytogenetic location: 10q26.11.
Variant type: single nucleotide variant.
Coding change: c.1208C>G on transcript NM_004281.4 (MANE Select); coding-DNA position 1208, C replaced by G.
Protein change: p.Ala403Gly; replaces alanine 403 with glycine.
Molecular consequence: missense variant.
Genome position (GRCh38, 1-based): chr10:119,676,762, C>G. VCF-style: chr10-119676762-C-G. GRCh37 (hg19) VCF-style: chr10-121436274-C-G.
Other names: short protein forms A403G.
Identifiers: ClinVar variation 4793710 (VCV004793710.1).
Genomic context (GRCh38, chr10:119,676,762, plus strand): 5'-TCCCCTCTTCCCCCAAGAGTGTGGCTACAGAAGAGAGGGCAGCCCCCAGCACTGCCCCTG[C>G]AGAAGCTACACCTCCAAAACCAGGAGAAGCCGAGGCTCCCCCAAAACATCCAGGAGTGCT-3'
Protein context (NP_004272.2, residues 393-413): EERAAPSTAP[Ala403Gly]EATPPKPGEA

ClinVar aggregate classification (germline): Uncertain significance (1 of 4 stars; one submission).

Conditions:
Myofibrillar myopathy 6. Identifiers: Orphanet 199340, MedGen C2751831, MONDO:0013061, OMIM 612954.
Dilated cardiomyopathy 1HH (CMD1HH). Identifiers: Orphanet 154, MedGen C3151293, MONDO:0013479, OMIM 613881.

Submission:

Labcorp Genetics (formerly Invitae), Labcorp
Classification: Uncertain significance for Dilated cardiomyopathy 1HH; Myofibrillar myopathy 6. Last evaluated: 2025-09-20. Review status: criteria provided, single submitter. Criteria: Invitae Variant Classification Sherloc (09022015). Collection method: clinical testing. Allele origin: germline.
Comment: This sequence change replaces alanine, which is neutral and non-polar, with glycine, which is neutral and non-polar, at codon 403 of the BAG3 protein (p.Ala403Gly). This variant is not present in population databases (gnomAD no frequency). This variant has not been reported in the literature in individuals affected with BAG3-related conditions. Invitae Evidence Modeling of protein sequence and biophysical properties (such as structural, functional, and spatial information, amino acid conservation, physicochemical variation, residue mobility, and thermodynamic stability) indicates that this missense variant is not expected to disrupt BAG3 protein function with a negative predictive value of 80%. In summary, the available evidence is currently insufficient to determine the role of this variant in disease. Therefore, it has been classified as a Variant of Uncertain Significance.